The following is an entry in ClinVar:

NM_000465.4(BARD1):c.2304G>T (p.Met768Ile)

Gene: BARD1 (BRCA1 associated RING domain 1; minus strand). Cytogenetic location: 2q35.
Variant type: single nucleotide variant.
Coding change: c.2304G>T on transcript NM_000465.4 (MANE Select); coding-DNA position 2304, G replaced by T.
Protein change: p.Met768Ile; replaces methionine 768 with isoleucine.
Molecular consequence: missense variant. On other transcripts: non-coding transcript variant (3).
Genome position (GRCh38, 1-based): chr2:214,728,706, C>A on the plus strand (G>T on the coding strand, the complement: BARD1 is on the minus strand). VCF-style: chr2-214728706-C-A. GRCh37 (hg19) VCF-style: chr2-215593430-C-A.
Other names: c.2247G>T, p.Met749Ile (NM_001282543.2); c.951G>T, p.Met317Ile (NM_001282545.2); c.894G>T, p.Met298Ile (NM_001282548.2); c.765G>T, p.Met255Ile (NM_001282549.2); short protein forms M255I, M768I, M298I, M317I, M749I.
Identifiers: ClinVar variation 3673312 (VCV003673312.2).

ClinVar aggregate classification (germline): Uncertain significance (1 of 4 stars; one submission).

Conditions:
Familial cancer of breast. Also called: Hereditary breast cancer; hereditary breast carcinoma; BREAST CANCER, FAMILIAL. Identifiers: Orphanet 227535, MedGen C0346153, MONDO:0016419, OMIM 114480. Disease mechanism: loss of function.

Submission:

Labcorp Genetics (formerly Invitae), Labcorp
Classification: Uncertain significance for Familial cancer of breast. Last evaluated: 2025-06-15. Review status: criteria provided, single submitter. Criteria: Invitae Variant Classification Sherloc (09022015). Collection method: clinical testing. Allele origin: germline.
Comment: This sequence change replaces methionine, which is neutral and non-polar, with isoleucine, which is neutral and non-polar, at codon 768 of the BARD1 protein (p.Met768Ile). This variant is not present in population databases (gnomAD no frequency). This variant has not been reported in the literature in individuals affected with BARD1-related conditions. ClinVar contains an entry for this variant (Variation ID: 3673312). An algorithm developed to predict the effect of missense changes on protein structure and function outputs the following: PolyPhen-2: "Benign". The isoleucine amino acid residue is found in multiple mammalian species, which suggests that this missense change does not adversely affect protein function. In summary, the available evidence is currently insufficient to determine the role of this variant in disease. Therefore, it has been classified as a Variant of Uncertain Significance.